The following is an entry in ClinVar:

NM_001384732.1(CPLANE1):c.8462-7G>A

Gene: CPLANE1 (ciliogenesis and planar polarity effector complex subunit 1; minus strand). Cytogenetic location: 5p13.2.
Variant type: single nucleotide variant.
Coding change: c.8462-7G>A on transcript NM_001384732.1 (MANE Select); 7 bases into the intron before coding-DNA position 8462, G replaced by A.
Molecular consequence: intron variant.
Genome position (GRCh38, 1-based): chr5:37,142,487, C>T on the plus strand (G>A on the coding strand, the complement: CPLANE1 is on the minus strand). VCF-style: chr5-37142487-C-T. GRCh37 (hg19) VCF-style: chr5-37142589-C-T.
Other names: c.8300-7G>A (NM_023073.4).
Identifiers: ClinVar variation 2421842 (VCV002421842.5), dbSNP rs2547072578, ClinGen allele CA2580073228.

ClinVar aggregate classification (germline): Uncertain significance. Review status: criteria provided, multiple submitters, no conflicts (2 of 4 stars). 2 submissions from 2 submitters: Uncertain significance (2). Last evaluated 2022-04-24.

Submissions (2):

Labcorp Genetics (formerly Invitae), Labcorp
Classification: Uncertain significance. Last evaluated: 2022-04-24. Review status: criteria provided, single submitter. Criteria: Invitae Variant Classification Sherloc (09022015). Collection method: clinical testing. Allele origin: germline.
Comment: This variant is not present in population databases (gnomAD no frequency). This sequence change falls in intron 42 of the CPLANE1 gene. It does not directly change the encoded amino acid sequence of the CPLANE1 protein. This variant has not been reported in the literature in individuals affected with CPLANE1-related conditions. In summary, the available evidence is currently insufficient to determine the role of this variant in disease. Therefore, it has been classified as a Variant of Uncertain Significance. Algorithms developed to predict the effect of sequence changes on RNA splicing suggest that this variant may disrupt the consensus splice site.

Blueprint Genetics
Classification: Uncertain significance. Last evaluated: 2019-01-19. Review status: criteria provided, single submitter. Criteria: ACMG Guidelines, 2015. Collection method: clinical testing. Allele origin: germline.